The following is an entry in ClinVar:

NM_001310137.5(NPIPB11):c.865C>G (p.Leu289Val)

Gene: NPIPB11 (nuclear pore complex interacting protein family member B11). Cytogenetic location: 16p11.2.
Variant type: single nucleotide variant.
Coding change: c.865C>G on transcript NM_001310137.5 (MANE Select); coding-DNA position 865, C replaced by G.
Protein change: p.Leu289Val; replaces leucine 289 with valine.
Molecular consequence: missense variant.
Genome position (GRCh38, 1-based): chr16:29,384,067, G>C on the plus strand (C>G on the coding strand, the complement: NPIPB11 is on the minus strand). VCF-style: chr16-29384067-G-C. GRCh37 (hg19) VCF-style: chr16-29395388-G-C.
Other names: short protein forms L289V.
Identifiers: ClinVar variation 3770523 (VCV003770523.13).

ClinVar aggregate classification (germline): Likely benign (1 of 4 stars; one submission).

gnomAD v4.1: 3,049 of 1,194,374 alleles (0.26%); highest among the groups gnomAD compares: Middle Eastern, 0.59%; 162 homozygotes.

Submission:

CeGaT Center for Human Genetics Tuebingen
Classification: Likely benign. Last evaluated: 2025-02-01. Review status: criteria provided, single submitter. Criteria: CeGaT Center For Human Genetics Tuebingen Variant Classification Criteria Version 2. Collection method: clinical testing. Allele origin: germline. Affected: yes. Observed: 1 variant allele.
Comment: NPIPB11: BP4, BS2